The following is an entry in ClinVar:

NM_152641.4(ARID2):c.78C>G (p.Phe26Leu)

Gene: ARID2 (AT-rich interaction domain 2; plus strand). Cytogenetic location: 12q12.
Variant type: single nucleotide variant.
Coding change: c.78C>G on transcript NM_152641.4 (MANE Select); coding-DNA position 78, C replaced by G.
Protein change: p.Phe26Leu; replaces phenylalanine 26 with leucine.
Molecular consequence: missense variant.
Genome position (GRCh38, 1-based): chr12:45,729,914, C>G. VCF-style: chr12-45729914-C-G. GRCh37 (hg19) VCF-style: chr12-46123697-C-G.
Other names: c.78C>G, p.Phe26Leu (NM_001347839.2); short protein forms F26L.
Identifiers: ClinVar variation 3906369 (VCV003906369.2).

ClinVar aggregate classification (germline): Uncertain significance (1 of 4 stars; one submission).

gnomAD v4.1: 1 of 1,609,388 alleles (0.000062%); highest among the groups gnomAD compares: Non-Finnish European, 0.000085%; no homozygotes.

Submission:

GeneDx
Classification: Uncertain significance. Last evaluated: 2026-02-26. Review status: criteria provided, single submitter. Criteria: GeneDx Variant Classification Process June 2021. Collection method: clinical testing. Allele origin: germline.
Comment: Not observed at significant frequency in large population cohorts (gnomAD); In silico analysis supports that this missense variant has a deleterious effect on protein structure/function; Has not been previously published as pathogenic or benign to our knowledge